The following is an entry in ClinVar:

NM_201384.3(PLEC):c.9848A>C (p.Lys3283Thr)

Gene: PLEC (plectin; minus strand). Cytogenetic location: 8q24.3.
Variant type: single nucleotide variant.
Coding change: c.9848A>C on transcript NM_201384.3 (MANE Select); coding-DNA position 9848, A replaced by C.
Protein change: p.Lys3283Thr; replaces lysine 3283 with threonine.
Molecular consequence: missense variant.
Genome position (GRCh38, 1-based): chr8:143,919,973, T>G on the plus strand (A>C on the coding strand, the complement: PLEC is on the minus strand). VCF-style: chr8-143919973-T-G. GRCh37 (hg19) VCF-style: chr8-144994141-T-G.
Other names: c.9929A>C (NM_000445.3); c.9929A>C, p.Lys3310Thr (NM_000445.5); c.9806A>C, p.Lys3269Thr (NM_201378.4); c.9782A>C, p.Lys3261Thr (NM_201379.3); c.10259A>C, p.Lys3420Thr (NM_201380.4); c.9752A>C, p.Lys3251Thr (NM_201381.3); c.9848A>C, p.Lys3283Thr (NM_201382.4); c.9860A>C, p.Lys3287Thr (NM_201383.3); short protein forms K3310T, K3261T, K3269T, K3287T, K3251T, K3283T, K3420T.
Identifiers: ClinVar variation 596225 (VCV000596225.10), dbSNP rs782284581, ClinGen allele CA372506289.
Genomic context (GRCh38, chr8:143,919,973, plus strand): 5'-AGCCTCTCCTGCCGCAGGGTCTCCACCTCCTCCACGATGGTAATGAGAATCTTGATGACC[T>G]TCTCCACGGTGACCTTGCCCGTGCGGAACTGACGCAACAGCTCCTGCCGCTGCTCCGCAG-3'
Protein context (NP_958786.1, residues 3273-3293): QFRTGKVTVE[Lys3283Thr]VIKILITIVE

ClinVar aggregate classification (germline): Uncertain significance. Review status: criteria provided, multiple submitters, no conflicts (2 of 4 stars). 3 submissions from 3 submitters: Uncertain significance (3). Last evaluated 2024-08-15.

Conditions:
Epidermolysis bullosa simplex 5B, with muscular dystrophy (EBS5B). Also called: Epidermolysis bullosa simplex with muscular dystrophy; EPIDERMOLYSIS BULLOSA SIMPLEX AND LIMB-GIRDLE MUSCULAR DYSTROPHY. Identifiers: Orphanet 257, MedGen C2931072, MONDO:0009181, OMIM 226670.
Epidermolysis bullosa simplex, Ogna type (EBS5A). Also called: Pidermolysis bullosa simplex 5A, Ogna type; EPIDERMOLYSIS BULLOSA SIMPLEX 5A, OGNA TYPE. Identifiers: Orphanet 79401, MedGen C0432317, MONDO:0007555, OMIM 131950.
Epidermolysis bullosa simplex with nail dystrophy (EBS5D). Identifiers: MedGen C4225309, MONDO:0014661, OMIM 616487.
Autosomal recessive limb-girdle muscular dystrophy type 2Q (LGMDR17). Also called: MUSCULAR DYSTROPHY, LIMB-GIRDLE, AUTOSOMAL RECESSIVE 17. Identifiers: Orphanet 254361, MedGen C3150989, MONDO:0013390, OMIM 613723.
Epidermolysis bullosa simplex 5C, with pyloric atresia (EBS5C). Also called: PLEC-Related Epidermolysis Bullosa with Pyloric Atresia; Epidermolysis bullosa simplex with pyloric atresia; PLEC1-Related Epidermolysis Bullosa with Pyloric Atresia. Identifiers: Orphanet 158684, MedGen C2677349, MONDO:0012807, OMIM 612138.

Allele frequency attached by ClinVar (database versions not stated): gnomAD 0.00001; TOPMed 0.00001.
gnomAD v4.1: 3 of 1,613,232 alleles (0.00019%); highest among the groups gnomAD compares: African/African-American, 0.004%; no homozygotes.

Submissions (3):

GeneDx
Classification: Uncertain significance. Last evaluated: 2024-08-15. Review status: criteria provided, single submitter. Criteria: GeneDx Variant Classification Process June 2021. Collection method: clinical testing. Allele origin: germline. Affected: yes.
Comment: Not observed at significant frequency in large population cohorts (gnomAD); In silico analysis supports that this missense variant has a deleterious effect on protein structure/function; Missense variant in a gene in which most reported pathogenic variants are truncating/loss of function; Has not been previously published as pathogenic or benign to our knowledge

Labcorp Genetics (formerly Invitae), Labcorp
Classification: Uncertain significance for Autosomal recessive limb-girdle muscular dystrophy type 2Q; Epidermolysis bullosa simplex, Ogna type; Epidermolysis bullosa simplex with nail dystrophy; Epidermolysis bullosa simplex 5C, with pyloric atresia; Epidermolysis bullosa simplex 5B, with muscular dystrophy. Last evaluated: 2022-02-10. Review status: criteria provided, single submitter. Criteria: Invitae Variant Classification Sherloc (09022015). Collection method: clinical testing. Allele origin: germline.
Comment: In summary, the available evidence is currently insufficient to determine the role of this variant in disease. Therefore, it has been classified as a Variant of Uncertain Significance. Algorithms developed to predict the effect of missense changes on protein structure and function (SIFT, PolyPhen-2, Align-GVGD) all suggest that this variant is likely to be disruptive. ClinVar contains an entry for this variant (Variation ID: 596225). This variant has not been reported in the literature in individuals affected with PLEC-related conditions. This variant is present in population databases (no rsID available, gnomAD 0.007%). This sequence change replaces lysine, which is basic and polar, with threonine, which is neutral and polar, at codon 3310 of the PLEC protein (p.Lys3310Thr).

Eurofins Ntd Llc (ga)
Classification: Uncertain significance. Last evaluated: 2018-02-27. Review status: criteria provided, single submitter. Criteria: EGL ClinVar v180209 classification definitions. Collection method: clinical testing. Allele origin: germline. Observed: 1 variant allele, 1 heterozygote.